The following is an entry in ClinVar:

ClinVar aggregate classification (germline): Conflicting classifications of pathogenicity. Review status: criteria provided, conflicting classifications (1 of 4 stars). 2 submissions from 2 submitters: Uncertain significance (1); Likely benign (1). Last evaluated 2025-02-23.

Allele frequency attached by ClinVar (database versions not stated): ExAC 0.00039; gnomAD 0.00048; ESP Exome Variant Server 0.00076; gnomAD exomes 0.00084.

Submissions (2):

Ambry Genetics
Classification: Uncertain significance. Last evaluated: 2025-02-23. Review status: criteria provided, single submitter. Criteria: Ambry Variant Classification Scheme 2023. Collection method: clinical testing. Allele origin: germline.

CeGaT Center for Human Genetics Tuebingen
Classification: Likely benign. Last evaluated: 2023-01-01. Review status: criteria provided, single submitter. Criteria: CeGaT Center For Human Genetics Tuebingen Variant Classification Criteria Version 2. Collection method: clinical testing. Allele origin: germline. Affected: yes. Observed: 1 variant allele.
Comment: ENSG00000233928: BS2; FAM47A: BP4, BS2

NM_203408.4(FAM47A):c.670C>T (p.Arg224Cys)

Gene: FAM47A (family with sequence similarity 47 member A; minus strand). Cytogenetic location: Xp21.1.
Variant type: single nucleotide variant.
Coding change: c.670C>T on transcript NM_203408.4 (MANE Select); coding-DNA position 670, C replaced by T.
Protein change: p.Arg224Cys; replaces arginine 224 with cysteine.
Molecular consequence: missense variant.
Genome position (GRCh38, 1-based): chrX:34,131,609, G>A on the plus strand (C>T on the coding strand, the complement: FAM47A is on the minus strand). VCF-style: chrX-34131609-G-A. GRCh37 (hg19) VCF-style: chrX-34149726-G-A.
Other names: short protein forms R224C.
Identifiers: ClinVar variation 2219141 (VCV002219141.26), dbSNP rs200439661, ClinGen allele CA10380629.
Genomic context (GRCh38, chrX:34,131,609, plus strand): 5'-CTCCAGTCTCTGGAGGCTCCGGGCGGAGATGGGACACTCCAGTCTCAGGAGGCTCCGGGC[G>A]GAGACTGGACACCGGAGTCTTGGGAGGCTCCGGGCTTAGATGGGACACTCCAGTCTCGGG-3'
Protein context (NP_981953.2, residues 214-234): EPPKTPVSSL[Arg224Cys]PEPPETGVSH